The following is an entry in ClinVar:

ClinVar aggregate classification (germline): Likely benign (1 of 4 stars; one submission).

gnomAD v4.1: 5 of 1,613,174 alleles (0.00031%); highest among the groups gnomAD compares: Non-Finnish European, 0.00042%; no homozygotes.

Submission:

CeGaT Center for Human Genetics Tuebingen
Classification: Likely benign. Last evaluated: 2022-07-01. Review status: criteria provided, single submitter. Criteria: CeGaT Center For Human Genetics Tuebingen Variant Classification Criteria Version 2. Collection method: clinical testing. Allele origin: germline. Affected: yes. Observed: 1 variant allele.
Comment: SIPA1L3: PM2:Supporting, BP4, BP7

NM_015073.3(SIPA1L3):c.1467C>G (p.Pro489=)

Gene: SIPA1L3 (signal induced proliferation associated 1 like 3; plus strand). Cytogenetic location: 19q13.13.
Variant type: single nucleotide variant.
Coding change: c.1467C>G on transcript NM_015073.3 (MANE Select); coding-DNA position 1467, C replaced by G.
Protein change: p.Pro489=; no amino-acid change (proline 489 retained).
Molecular consequence: synonymous variant.
Genome position (GRCh38, 1-based): chr19:38,083,032, C>G. VCF-style: chr19-38083032-C-G. GRCh37 (hg19) VCF-style: chr19-38573672-C-G.
Identifiers: ClinVar variation 2649782 (VCV002649782.24), dbSNP rs2513640050, ClinGen allele CA507346932.